The following is an entry in ClinVar:

NM_020134.4(DPYSL5):c.281C>G (p.Thr94Ser)

Gene: DPYSL5 (dihydropyrimidinase like 5; plus strand). Cytogenetic location: 2p23.3.
Variant type: single nucleotide variant.
Coding change: c.281C>G on transcript NM_020134.4 (MANE Select); coding-DNA position 281, C replaced by G.
Protein change: p.Thr94Ser; replaces threonine 94 with serine.
Molecular consequence: missense variant.
Genome position (GRCh38, 1-based): chr2:26,924,906, C>G. VCF-style: chr2-26924906-C-G. GRCh37 (hg19) VCF-style: chr2-27147774-C-G.
Other names: c.281C>G, p.Thr94Ser (NM_001253723.2, NM_001253724.2); short protein forms T94S.
Identifiers: ClinVar variation 5006276 (VCV005006276.2).

ClinVar aggregate classification (germline): Uncertain significance (1 of 4 stars; one submission).

Conditions:
Ritscher-Schinzel syndrome 4. Identifiers: MedGen C5561939, MONDO:0030331, OMIM 619435.

Submission:

Juno Genomics, Hangzhou Juno Genomics, Inc
Classification: Uncertain significance for Ritscher-Schinzel syndrome 4. Review status: criteria provided, single submitter. Criteria: ACMG Guidelines, 2015. Collection method: clinical testing. Allele origin: germline.
Comment: Absent from controls (or at extremely low frequency if recessive) in Genome Aggregation Database.;Missense variant in a gene that has a low rate of benign missense variation.;Multiple lines of computational evidence support a deleterious effect on the gene or gene product.